The following is an entry in ClinVar:

ClinVar aggregate classification (germline): Uncertain significance (1 of 4 stars; one submission).

Conditions:
Epileptic encephalopathy. Identifiers: MedGen C0543888, HP:0200134.

Allele frequency attached by ClinVar (database versions not stated): gnomAD exomes 0.00002 and 0.00004; ExAC 0.00005.
gnomAD v4.1: 23 of 1,605,018 alleles (0.0014%); highest among the groups gnomAD compares: South Asian, 0.0089%; no homozygotes.

Submission:

Labcorp Genetics (formerly Invitae), Labcorp
Classification: Uncertain significance for Epileptic encephalopathy. Last evaluated: 2023-06-23. Review status: criteria provided, single submitter. Criteria: Invitae Variant Classification Sherloc (09022015). Collection method: clinical testing. Allele origin: germline.
Comment: This sequence change replaces threonine, which is neutral and polar, with methionine, which is neutral and non-polar, at codon 408 of the FASN protein (p.Thr408Met). In summary, the available evidence is currently insufficient to determine the role of this variant in disease. Therefore, it has been classified as a Variant of Uncertain Significance. An algorithm developed to predict the effect of missense changes on protein structure and function (PolyPhen-2) suggests that this variant is likely to be tolerated. ClinVar contains an entry for this variant (Variation ID: 1059683). This variant has not been reported in the literature in individuals affected with FASN-related conditions. This variant is present in population databases (rs756490191, gnomAD 0.01%).

NM_004104.5(FASN):c.1223C>T (p.Thr408Met)

Gene: FASN (fatty acid synthase; minus strand). Cytogenetic location: 17q25.3.
Variant type: single nucleotide variant.
Coding change: c.1223C>T on transcript NM_004104.5 (MANE Select); coding-DNA position 1223, C replaced by T.
Protein change: p.Thr408Met; replaces threonine 408 with methionine.
Molecular consequence: missense variant.
Genome position (GRCh38, 1-based): chr17:82,091,491, G>A on the plus strand (C>T on the coding strand, the complement: FASN is on the minus strand). VCF-style: chr17-82091491-G-A. GRCh37 (hg19) VCF-style: chr17-80049367-G-A.
Other names: short protein forms T408M.
Identifiers: ClinVar variation 1059683 (VCV001059683.7), dbSNP rs756490191, ClinGen allele CA8853227.